The following is an entry in ClinVar:

NM_024884.3(L2HGDH):c.1153C>T (p.Leu385Phe)

Gene: L2HGDH (L-2-hydroxyglutarate dehydrogenase; minus strand). Cytogenetic location: 14q21.3.
Variant type: single nucleotide variant.
Coding change: c.1153C>T on transcript NM_024884.3 (MANE Select); coding-DNA position 1153, C replaced by T.
Protein change: p.Leu385Phe; replaces leucine 385 with phenylalanine.
Molecular consequence: missense variant.
Genome position (GRCh38, 1-based): chr14:50,265,401, G>A on the plus strand (C>T on the coding strand, the complement: L2HGDH is on the minus strand). VCF-style: chr14-50265401-G-A. GRCh37 (hg19) VCF-style: chr14-50732119-G-A.
Other names: short protein forms L385F.
Identifiers: ClinVar variation 1506978 (VCV001506978.8), dbSNP rs2139970112, ClinGen allele CA389648489.

ClinVar aggregate classification (germline): Uncertain significance (1 of 4 stars; one submission).

Conditions:
L-2-hydroxyglutaric aciduria (L2HGA). Identifiers: Orphanet 79314, MedGen C1855995, MONDO:0009370, OMIM 236792, HP:0040144.

Allele frequency attached by ClinVar (database versions not stated): gnomAD exomes below 0.00001.
gnomAD v4.1: 1 of 1,612,264 alleles (0.000062%); highest among the groups gnomAD compares: East Asian, 0.0022%; no homozygotes.

Submission:

Labcorp Genetics (formerly Invitae), Labcorp
Classification: Uncertain significance for L-2-hydroxyglutaric aciduria. Last evaluated: 2021-06-07. Review status: criteria provided, single submitter. Criteria: Invitae Variant Classification Sherloc (09022015). Collection method: clinical testing. Allele origin: germline.
Comment: This variant has not been reported in the literature in individuals with L2HGDH-related conditions. This sequence change replaces leucine with phenylalanine at codon 385 of the L2HGDH protein (p.Leu385Phe). The leucine residue is highly conserved and there is a small physicochemical difference between leucine and phenylalanine. This variant is not present in population databases (ExAC no frequency). Algorithms developed to predict the effect of missense changes on protein structure and function are either unavailable or do not agree on the potential impact of this missense change (SIFT: "Tolerated"; PolyPhen-2: "Probably Damaging"; Align-GVGD: "Class C0"). In summary, the available evidence is currently insufficient to determine the role of this variant in disease. Therefore, it has been classified as a Variant of Uncertain Significance.